The following is an entry in ClinVar:

NM_002354.3(EPCAM):c.556-14A>G

Gene: EPCAM (epithelial cell adhesion molecule; plus strand). Cytogenetic location: 2p21.
Variant type: single nucleotide variant.
Coding change: c.556-14A>G on transcript NM_002354.3 (MANE Select); 14 bases into the intron before coding-DNA position 556, A replaced by G.
Molecular consequence: intron variant.
Genome position (GRCh38, 1-based): chr2:47,378,939, A>G. VCF-style: chr2-47378939-A-G. GRCh37 (hg19) VCF-style: chr2-47606078-A-G.
Other names: IVS5AS, A-G, -14.
Identifiers: ClinVar variation 157603 (VCV000157603.25), dbSNP rs376155665, ClinGen allele CA171016.

ClinVar aggregate classification (germline): Pathogenic/Likely pathogenic. Review status: criteria provided, multiple submitters, no conflicts (2 of 4 stars). 18 submissions from 18 submitters: Pathogenic (12); Likely pathogenic (4). 2 of the submissions do not count toward it. Last evaluated 2026-03-27.

Conditions:
EPCAM-related disorders.
EPCAM-related disorder. Also called: EPCAM-related condition.
Congenital diarrhea 5 with tufting enteropathy. Also called: INTESTINAL EPITHELIAL CELL DYSPLASIA; Congenital tufting enteropathy. Identifiers: Orphanet 92050, MedGen C2750737, MONDO:0013184, OMIM 613217.
Lynch syndrome 8 (LYNCH8). Also called: Colorectal cancer, hereditary nonpolyposis, type 8. Identifiers: Orphanet 144, MedGen C2750471, MONDO:0013196, OMIM 613244.
Familial cancer of breast. Also called: Hereditary breast cancer; hereditary breast carcinoma; BREAST CANCER, FAMILIAL. Identifiers: Orphanet 227535, MedGen C0346153, MONDO:0016419, OMIM 114480. Disease mechanism: loss of function.

Allele frequency attached by ClinVar (database versions not stated): gnomAD 0.00003; TOPMed 0.00008.

Submissions (18):

Center for Human Genetics and Genomic Medicine, Uniklinik Rwth Aachen
Classification: Pathogenic for Lynch syndrome 8. Last evaluated: 2026-03-27. Review status: criteria provided, single submitter. Criteria: ACMG Guidelines, 2015. Collection method: clinical testing. Allele origin: biparental. Affected: yes.

Genomic Medicine Center of Excellence, King Faisal Specialist Hospital and Research Centre
Classification: Likely pathogenic for Congenital diarrhea 5 with tufting enteropathy. Last evaluated: 2025-09-10. Review status: criteria provided, single submitter. Criteria: ACMG Guidelines, 2015. Collection method: clinical testing. Allele origin: germline.

3billion
Classification: Pathogenic for Congenital diarrhea 5 with tufting enteropathy. Last evaluated: 2025-08-06. Review status: criteria provided, single submitter. Criteria: ACMG Guidelines, 2015. Collection method: clinical testing. Allele origin: germline. Affected: yes.
Comment: The variant is observed at an extremely low frequency in the gnomAD v4.1.0 dataset (total allele frequency: 0.010%). Predicted Consequence/Location: Intron variant Functional studies provide strong evidence of the variant having a damaging effect on the gene or gene product (PMID: 23462293). In silico tools predict the variant to alter splicing and produce an abnormal transcript [SpliceAI: 0.96 (>=0.2, moderate evidence for spliceogenicity)]. The variant has been reported to be in trans with a pathogenic variant as either compound heterozygous or homozygous in at least 2 similarly affected unrelated individuals (PMID: 23462293, 24142340). The variant has been reported at least twice as pathogenic with clinical assertions and evidence for the classification (ClinVar ID: VCV000157603 /PMID: 23462293 /3billion dataset). Therefore, this variant is classified as Pathogenic according to the recommendation of ACMG/AMP guideline.

Revvity Omics, Revvity
Classification: Pathogenic. Last evaluated: 2024-09-19. Review status: criteria provided, single submitter. Criteria: ACMG Guidelines, 2015. Collection method: clinical testing. Allele origin: germline.

Blueprint Genetics
Classification: Pathogenic for EPCAM-related disorders. Last evaluated: 2024-09-02. Review status: criteria provided, single submitter. Criteria: ACMG Guidelines, 2015. Collection method: clinical testing. Allele origin: germline. Affected: yes. Observed: 5 variant alleles.

GeneDx
Classification: Pathogenic. Last evaluated: 2023-12-28. Review status: criteria provided, single submitter. Criteria: GeneDx Variant Classification Process June 2021. Collection method: clinical testing. Allele origin: germline. Affected: yes.
Comment: In silico analysis supports a deleterious effect on splicing; This variant is associated with the following publications: (PMID: 34426522, 33195669, 24142340, 36457962, 23462293, 34198699, 29978187, 36451688, 26684320, 30461124, 33029133, 37554749, 27848944, 28701297, 33567694, 35261632)

St. Jude Molecular Pathology, St. Jude Children's Research Hospital
Classification: Pathogenic for Congenital diarrhea 5 with tufting enteropathy. Last evaluated: 2023-08-02. Review status: criteria provided, single submitter. Criteria: St. Jude Assertion Criteria 2020. Collection method: clinical testing. Allele origin: germline.
Comment: The EPCAM c.556-14A>G intronic change results in an A to G substitution at the -14 position of intron 5 of the EPCAM gene. Algorithms that predict the impact of sequence changes on splicing indicate that this change results in the creation of a splice acceptor site, which is predicted to cause a frameshift and the creation of a premature stop codon. This change is predicted to cause protein truncation or absence of protein due to nonsense-mediated decay. This variant has been reported in multiple individuals with congenital tufting enteropathy in the homozygous and compound heterozygous state (PMID: 23462293, 24142340, 26684320, 27848944, 28701297, 30461124). This variant has a maximum subpopulation frequency of 0.013% in gnomAD v2.1.1. In summary, this variant meets criteria to be classified as pathogenic with respect to congenital tufting enteropathy and of uncertain significance with respect to Lynch syndrome since the evidence currently available is insufficient to determine the clinical significance of this variant with respect to Lynch syndrome.

Laboratory for Molecular Medicine, Mass General Brigham Personalized Medicine
Classification: Likely pathogenic for Congenital diarrhea 5 with tufting enteropathy. Last evaluated: 2022-08-30. Review status: criteria provided, single submitter. Criteria: ACMG Guidelines, 2015. Collection method: clinical testing. Allele origin: germline.
Comment: The c.556-14A>G variant in EPCAM has been reported in 10 individuals with congenital tufting enteropathy, at least 3 of which were homozygous or had additional variants in EPCAM (Schnell 2013 PMID: 23462293, Salomon 2014 PMID: 24142340, Bodian 2017 PMID: 28701297). One of these individuals had absence of EPCAM cell surface expression (Bodian 2017 PMID: 28701297). It segregated with disease in 2 affected family members from 2 families (Salomon 2014 PMID: 24142340, Bodian 2017 PMID: 28701297). It has also been identified in 0.02% (1/5192) of East Asian and 0.01% (1/15268) of Latino chromosomes by gnomAD. This variant has also been reported in ClinVar (Variation ID 157603). Studies have shown that this intronic variant creates a new acceptor site within intron 5, which is predicted to create a framshift variant p.Tyr186PhefsX6. Studies have also shown that this variant causes loss of cell-surface EpCAM (Schnell 2013 PMID: 23462293, Salomon 2014 PMID: 24142340). In summary, although additional studies are required to fully establish its clinical significance, this variant meets criteria to be classified as likely pathogenic for autosomal recessive congenital tufting enteropathy. ACMG/AMP Criteria applied: PM3, PS3, PP1_Moderate.

Department of Genetics, Rouen University Hospital, Normandy Center for Genomic and Personalized Medicine
Classification: Pathogenic for Congenital diarrhea 5 with tufting enteropathy. Last evaluated: 2022-07-06. Review status: criteria provided, single submitter. Criteria: ACMG Guidelines, 2015. Collection method: clinical testing. Allele origin: biparental. Affected: yes.

Fulgent Genetics
Classification: Pathogenic for Congenital diarrhea 5 with tufting enteropathy; Lynch syndrome 8. Last evaluated: 2022-05-25. Review status: criteria provided, single submitter. Criteria: ACMG Guidelines, 2015. Collection method: clinical testing. Allele origin: unknown.

Genomics Facility, Ludwig-Maximilians-Universität München
Classification: Likely pathogenic for Congenital diarrhea 5 with tufting enteropathy. Last evaluated: 2021-12-28. Review status: criteria provided, single submitter. Criteria: ACMG Guidelines, 2015. Collection method: clinical testing. Allele origin: unknown. Inheritance: Autosomal recessive inheritance. Affected: yes.

Institute of Human Genetics, University of Leipzig Medical Center
Classification: Pathogenic for Congenital diarrhea 5 with tufting enteropathy. Last evaluated: 2019-09-17. Review status: criteria provided, single submitter. Criteria: ACMG Guidelines, 2015. Collection method: clinical testing. Allele origin: germline. Affected: yes. Observed: 1 variant allele.
Comment: This variant was identified as homozygous

Labcorp Genetics (formerly Invitae), Labcorp
Classification: Pathogenic. Last evaluated: 2019-01-10. Review status: criteria provided, single submitter. Criteria: Invitae Variant Classification Sherloc (09022015). Collection method: clinical testing. Allele origin: germline.
Comment: For these reasons, this variant has been classified as Pathogenic. In cDNA sequence analysis using patient-derived RNA, this variant resulted in a frameshift caused by abnormal splicing (PMID: 24142340). An experimental study using cells expressing the truncated protein (p.Tyr186Phefs*6) has shown that this truncated protein lacks the transmembrane domain of EPCAM, resulting in loss of cell-surface EPCAM protein, and reduced protein secretion in vitro (PMID: 23462293). This variant has been reported in multiple individuals affected with congenital tufting enteropathy (CTE) (PMID: 23462293, 24142340, 28701297). ClinVar contains an entry for this variant (Variation ID: 157603). This variant is present in population databases (rs376155665, ExAC 0.01%). This sequence change falls in intron 5 of the EPCAM mRNA. It has been shown to affect mRNA splicing through the creation of new splice acceptor site, which causes a frameshift at codon 186 and creates a premature translational stop signal (p.Tyr186Phefs*6) (PMID: 23462293, 24142340). It is expected to result in an absent or disrupted protein product.

ITMI
Classification: Pathogenic for Congenital diarrhea 5 with tufting enteropathy. Last evaluated: 2016-10-10. Review status: criteria provided, single submitter. Criteria: Submitter's publication. Collection method: research. Allele origin: germline. Affected: yes.

Department of Pathology and Laboratory Medicine, Sinai Health System
Classification: Likely pathogenic for hereditary breast carcinoma. Review status: criteria provided, single submitter. Criteria: ACMG Guidelines, 2015. Collection method: clinical testing. Allele origin: germline.

Suma Genomics
Classification: Pathogenic for Congenital diarrhea 5 with tufting enteropathy. Review status: criteria provided, single submitter. Criteria: ACMG Guidelines, 2015. Collection method: clinical testing. Allele origin: germline. Inheritance: Autosomal recessive inheritance. Affected: yes. Observed: 1 homozygote.

PreventionGenetics, part of Exact Sciences
Classification: Pathogenic for EPCAM-related condition. Last evaluated: 2024-05-23. Review status: no assertion criteria provided. Collection method: clinical testing. Allele origin: germline. Not counted in ClinVar's aggregate classification.
Comment: The EPCAM c.556-14A>G variant is predicted to interfere with splicing. This variant has been reported in the homozygous and compound heterozygous state in patients with congenital tufting enteropathy (Schnell et al. 2013. PubMed ID: 23462293; Salomon et al. 2013. PubMed ID: 24142340; Bodian et al. 2017. PubMed ID: 28701297; Ayyıldız Civan et al. 2021. PubMed ID: 34198699) and in at least one study it was found to be associated with milder outcomes (Salomon et al. 2013. PubMed ID: 24142340). Transcript analysis found this variant results in abnormal splicing (Salomon et al. 2013. PubMed ID: 24142340) and immunostaining found it results in a lack of cell surface expression (Schnell et al. 2013. PubMed ID: 23462293). This variant is reported in 0.013% of alleles in individuals of South Asian descent in gnomAD and has been interpreted as pathogenic/likely pathogenic in the ClinVar database. This variant is interpreted as pathogenic.

OMIM
Classification: Pathogenic for DIARRHEA 5, WITH TUFTING ENTEROPATHY, CONGENITAL. Last evaluated: 2013-07-01. Review status: no assertion criteria provided. Collection method: literature only. Allele origin: germline. Not counted in ClinVar's aggregate classification.

Literature cited by the submitters: PubMed 24142340 (cited by 3 submitters); PubMed 23462293 (cited by 4 submitters); PubMed 28701297 (cited by Labcorp Genetics (formerly Invitae), Labcorp); PubMed 29068549 (cited by Suma Genomics).